The following is an entry in ClinVar:

ClinVar aggregate classification (germline): Uncertain significance. Review status: criteria provided, multiple submitters, no conflicts (2 of 4 stars). 2 submissions from 2 submitters: Uncertain significance (2). Last evaluated 2025-10-15.

Conditions:
Hereditary cancer-predisposing syndrome. Also called: Neoplastic Syndromes, Hereditary; Hereditary Cancer Syndrome; Tumor predisposition; Hereditary neoplastic syndrome. Identifiers: Orphanet 140162, MedGen C0027672, MeSH D009386, MONDO:0015356.
Familial cancer of breast. Also called: hereditary breast carcinoma; BREAST CANCER, FAMILIAL; Hereditary breast cancer. Identifiers: Orphanet 227535, MedGen C0346153, MONDO:0016419, OMIM 114480. Disease mechanism: loss of function.

gnomAD v4.1: 1 of 1,593,668 alleles (0.000063%); highest among the groups gnomAD compares: Non-Finnish European, 0.000085%; no homozygotes.

Submissions (2):

Ambry Genetics
Classification: Uncertain significance for Hereditary cancer-predisposing syndrome. Last evaluated: 2025-10-15. Review status: criteria provided, single submitter. Criteria: Ambry Variant Classification Scheme 2023. Collection method: clinical testing. Allele origin: germline.
Comment: The p.P484R variant (also known as c.1451C>G), located in coding exon 12 of the CHEK2 gene, results from a C to G substitution at nucleotide position 1451. The proline at codon 484 is replaced by arginine, an amino acid with dissimilar properties. This amino acid position is highly conserved in available vertebrate species. In addition, this alteration is predicted to be deleterious by in silico analysis. Based on the available evidence, the clinical significance of this variant remains unclear.

Labcorp Genetics (formerly Invitae), Labcorp
Classification: Uncertain significance for Familial cancer of breast. Last evaluated: 2019-05-02. Review status: criteria provided, single submitter. Criteria: Invitae Variant Classification Sherloc (09022015). Collection method: clinical testing. Allele origin: germline.
Comment: This variant has not been reported in the literature in individuals with CHEK2-related conditions. This variant is not present in population databases (ExAC no frequency). This sequence change replaces proline with arginine at codon 484 of the CHEK2 protein (p.Pro484Arg). The proline residue is highly conserved and there is a moderate physicochemical difference between proline and arginine. Algorithms developed to predict the effect of missense changes on protein structure and function are either unavailable or do not agree on the potential impact of this missense change (SIFT: "Deleterious"; PolyPhen-2: "Possibly Damaging"; Align-GVGD: "Class C0"). In summary, the available evidence is currently insufficient to determine the role of this variant in disease. Therefore, it has been classified as a Variant of Uncertain Significance.

NM_007194.4(CHEK2):c.1451C>G (p.Pro484Arg)

Gene: CHEK2 (checkpoint kinase 2; minus strand). Cytogenetic location: 22q12.1.
Variant type: single nucleotide variant.
Coding change: c.1451C>G on transcript NM_007194.4 (MANE Select); coding-DNA position 1451, C replaced by G.
Protein change: p.Pro484Arg; replaces proline 484 with arginine.
Molecular consequence: missense variant.
Genome position (GRCh38, 1-based): chr22:28,694,042, G>C on the plus strand (C>G on the coding strand, the complement: CHEK2 is on the minus strand). VCF-style: chr22-28694042-G-C. GRCh37 (hg19) VCF-style: chr22-29090030-G-C.
Other names: c.1580C>G, p.Pro527Arg (NM_001005735.3); c.788C>G, p.Pro263Arg (NM_001257387.3); c.1250C>G, p.Pro417Arg (NM_001349956.3); c.1364C>G, p.Pro455Arg (NM_145862.3); short protein forms P484R, P527R, P263R, P455R, P417R.
Identifiers: ClinVar variation 944945 (VCV000944945.11), dbSNP rs564605612, ClinGen allele CA411093959.